The following is an entry in ClinVar:

ClinVar aggregate classification (germline): Uncertain significance. Review status: criteria provided, multiple submitters, no conflicts (2 of 4 stars). 2 submissions from 2 submitters: Uncertain significance (2). Last evaluated 2025-09-25.

Conditions:
Inborn genetic diseases. Identifiers: MedGen C0950123, MeSH D030342.
Aicardi-Goutieres syndrome 6 (AGS6). Identifiers: Orphanet 51, MedGen C3539013, MONDO:0014007, OMIM 615010.
Symmetrical dyschromatosis of extremities (DSH). Also called: DYSCHROMATOSIS SYMMETRICA HEREDITARIA 1; RETICULATE ACROPIGMENTATION OF DOHI; SYMMETRIC DYSCHROMATOSIS OF THE EXTREMITIES; Dyschromatosis symmetrica hereditaria. Identifiers: Orphanet 41, MedGen C0406775, MONDO:0007483, OMIM 127400.

Allele frequency attached by ClinVar (database versions not stated): TOPMed 0.00001; gnomAD 0.00001; ExAC 0.00001.
gnomAD v4.1: 21 of 1,613,994 alleles (0.0013%); highest among the groups gnomAD compares: Admixed American, 0.0017%; no homozygotes.

Submissions (2):

Labcorp Genetics (formerly Invitae), Labcorp
Classification: Uncertain significance for Aicardi-Goutieres syndrome 6; Symmetrical dyschromatosis of extremities. Last evaluated: 2025-09-25. Review status: criteria provided, single submitter. Criteria: Invitae Variant Classification Sherloc (09022015). Collection method: clinical testing. Allele origin: germline.
Comment: This sequence change replaces valine, which is neutral and non-polar, with isoleucine, which is neutral and non-polar, at codon 884 of the ADAR protein (p.Val884Ile). This variant is present in population databases (rs760529708, gnomAD 0.007%). This variant has not been reported in the literature in individuals affected with ADAR-related conditions. ClinVar contains an entry for this variant (Variation ID: 2049013). Invitae Evidence Modeling of protein sequence and biophysical properties (such as structural, functional, and spatial information, amino acid conservation, physicochemical variation, residue mobility, and thermodynamic stability) indicates that this missense variant is not expected to disrupt ADAR protein function with a negative predictive value of 80%. In summary, the available evidence is currently insufficient to determine the role of this variant in disease. Therefore, it has been classified as a Variant of Uncertain Significance.

Ambry Genetics
Classification: Uncertain significance for Inborn genetic diseases. Last evaluated: 2023-06-21. Review status: criteria provided, single submitter. Criteria: Ambry Variant Classification Scheme 2023. Collection method: clinical testing. Allele origin: germline.

NM_001111.5(ADAR):c.2650G>A (p.Val884Ile)

Genes: ADAR (adenosine deaminase RNA specific; minus strand), LOC126805874 (CDK7 strongly-dependent group 2 enhancer GRCh37_chr1:154561176-154562375; plus strand). Cytogenetic location: 1q21.3.
Variant type: single nucleotide variant.
Coding change: c.2650G>A on transcript NM_001111.5 (MANE Select); coding-DNA position 2650, G replaced by A.
Protein change: p.Val884Ile; replaces valine 884 with isoleucine.
Molecular consequence: missense variant.
Genome position (GRCh38, 1-based): chr1:154,589,775, C>T on the plus strand (G>A on the coding strand, the complement: ADAR is on the minus strand). VCF-style: chr1-154589775-C-T. GRCh37 (hg19) VCF-style: chr1-154562251-C-T.
Other names: c.1765G>A, p.Val589Ile (NM_001025107.3, NM_001193495.2, NM_001365046.1 and 2 more transcripts); c.2677G>A, p.Val893Ile (NM_001365045.1); c.1687G>A, p.Val563Ile (NM_001365049.1); c.2572G>A, p.Val858Ile (NM_015840.4); c.2515G>A, p.Val839Ile (NM_015841.4); c.2650G>A (NM_001111.4); short protein forms V858I, V893I, V563I, V839I, V884I, V589I.
Identifiers: ClinVar variation 2049013 (VCV002049013.6), dbSNP rs760529708, ClinGen allele CA1131206.
Genomic context (GRCh38, chr1:154,589,775, plus strand): 5'-TCAGGCGCCATGGGAGGCGGCATGTCTCAGAGCCTCACTCACCTGTTCCCAAGCTGACGA[C>T]GACACCCATGTCCTCAGAGTCTTTTTTCATAATGATGGCGGCCAGAATCTTGCGGCCGAG-3'
Protein context (NP_001102.3, residues 874-894): MKKDSEDMGV[Val884Ile]VSLGTGNRCV